The following is an entry in ClinVar:

ClinVar aggregate classification (germline): Benign/Likely benign. Review status: criteria provided, multiple submitters, no conflicts (2 of 4 stars). 3 submissions from 3 submitters: Benign (2); Likely benign (1). Last evaluated 2026-01-29.

Conditions:
NEK8-related disorder. Also called: NEK8-related condition.
Nephronophthisis 9 (NPHP9). Identifiers: Orphanet 655, MedGen C3151188, MONDO:0013444, OMIM 613824.

Allele frequency attached by ClinVar (database versions not stated): gnomAD 0.00025 and 0.00030; 1000 Genomes Project 30x 0.00031; 1000 Genomes Project 0.00040; TOPMed 0.00080; ExAC 0.00115; gnomAD exomes 0.00140.
gnomAD v4.1: 459 of 1,614,124 alleles (0.028%); highest among the groups gnomAD compares: Admixed American, 0.7%; 3 homozygotes.

Submissions (3):

Labcorp Genetics (formerly Invitae), Labcorp
Classification: Benign for Nephronophthisis 9. Last evaluated: 2026-01-29. Review status: criteria provided, single submitter. Criteria: Invitae Variant Classification Sherloc (09022015). Collection method: clinical testing. Allele origin: germline.

PreventionGenetics, part of Exact Sciences
Classification: Benign for NEK8-related condition. Last evaluated: 2025-04-09. Review status: criteria provided, single submitter. Criteria: ACMG Guidelines, 2015. Collection method: clinical testing. Allele origin: germline.
Comment: This variant is classified as benign based on ACMG/AMP sequence variant interpretation guidelines (Richards et al. 2015 PMID: 25741868, with internal and published modifications).

Blueprint Genetics
Classification: Likely benign. Last evaluated: 2024-05-10. Review status: criteria provided, single submitter. Criteria: ACMG Guidelines, 2015. Collection method: clinical testing. Allele origin: germline.

NM_178170.3(NEK8):c.2001G>A (p.Thr667=)

Gene: NEK8 (NIMA related kinase 8; plus strand). Cytogenetic location: 17q11.2.
Variant type: single nucleotide variant.
Coding change: c.2001G>A on transcript NM_178170.3 (MANE Select); coding-DNA position 2001, G replaced by A.
Protein change: p.Thr667=; no amino-acid change (threonine 667 retained).
Molecular consequence: synonymous variant.
Genome position (GRCh38, 1-based): chr17:28,741,522, G>A. VCF-style: chr17-28741522-G-A. GRCh37 (hg19) VCF-style: chr17-27068540-G-A.
Identifiers: ClinVar variation 471778 (VCV000471778.12), dbSNP rs192081177, ClinGen allele CA8467614.